The following is an entry in ClinVar:

NM_033380.3(COL4A5):c.533C>G (p.Pro178Arg)

Gene: COL4A5 (collagen type IV alpha 5 chain; plus strand). Cytogenetic location: Xq22.3.
Variant type: single nucleotide variant.
Coding change: c.533C>G on transcript NM_033380.3 (MANE Select); coding-DNA position 533, C replaced by G.
Protein change: p.Pro178Arg; replaces proline 178 with arginine.
Molecular consequence: missense variant.
Genome position (GRCh38, 1-based): chrX:108,573,641, C>G. VCF-style: chrX-108573641-C-G. GRCh37 (hg19) VCF-style: chrX-107816871-C-G.
Other names: c.533C>G, p.Pro178Arg (NM_000495.5); short protein forms P178R.
Identifiers: ClinVar variation 4810693 (VCV004810693.1).

ClinVar aggregate classification (germline): Uncertain significance (1 of 4 stars; one submission).

Submission:

Labcorp Genetics (formerly Invitae), Labcorp
Classification: Uncertain significance. Last evaluated: 2025-02-08. Review status: criteria provided, single submitter. Criteria: Invitae Variant Classification Sherloc (09022015). Collection method: clinical testing. Allele origin: germline.
Comment: This sequence change replaces proline, which is neutral and non-polar, with arginine, which is basic and polar, at codon 178 of the COL4A5 protein (p.Pro178Arg). This variant is not present in population databases (gnomAD no frequency). This variant has not been reported in the literature in individuals affected with COL4A5-related conditions. Invitae Evidence Modeling of protein sequence and biophysical properties (such as structural, functional, and spatial information, amino acid conservation, physicochemical variation, residue mobility, and thermodynamic stability) indicates that this missense variant is not expected to disrupt COL4A5 protein function with a negative predictive value of 95%. In summary, the available evidence is currently insufficient to determine the role of this variant in disease. Therefore, it has been classified as a Variant of Uncertain Significance.